The following is an entry in ClinVar:

ClinVar aggregate classification (germline): Benign/Likely benign. Review status: criteria provided, multiple submitters, no conflicts (2 of 4 stars). 3 submissions from 3 submitters: Benign (1); Likely benign (2). Last evaluated 2026-04-16.

Conditions:
Hereditary cancer-predisposing syndrome. Also called: Neoplastic Syndromes, Hereditary; Tumor predisposition; Hereditary Cancer Syndrome; Hereditary neoplastic syndrome. Identifiers: Orphanet 140162, MedGen C0027672, MeSH D009386, MONDO:0015356.
DICER1-related tumor predisposition. Also called: DICER1 syndrome; DICER1-related pleuropulmonary blastoma cancer predisposition syndrome. Identifiers: Orphanet 284343, MedGen C3839822, MONDO:0100216.

Submissions (3):

Myriad Genetics, Inc.
Classification: Benign for DICER1-related tumor predisposition. Last evaluated: 2026-04-16. Review status: criteria provided, single submitter. Criteria: Myriad Autosomal Dominant, Autosomal Recessive and X-Linked Classification Criteria (2023). Collection method: clinical testing. Allele origin: unknown.
Comment: This variant is considered benign. This variant is a silent/synonymous amino acid change and it is not expected to impact splicing.

Ambry Genetics
Classification: Likely benign for Hereditary cancer-predisposing syndrome. Last evaluated: 2023-04-25. Review status: criteria provided, single submitter. Criteria: Ambry Variant Classification Scheme 2023. Collection method: clinical testing. Allele origin: germline.

Labcorp Genetics (formerly Invitae), Labcorp
Classification: Likely benign for DICER1-related tumor predisposition. Last evaluated: 2022-03-05. Review status: criteria provided, single submitter. Criteria: Invitae Variant Classification Sherloc (09022015). Collection method: clinical testing. Allele origin: germline.

NM_177438.3(DICER1):c.1935G>T (p.Pro645=)

Gene: DICER1 (dicer 1, ribonuclease III; minus strand). Cytogenetic location: 14q32.13.
Variant type: single nucleotide variant.
Coding change: c.1935G>T on transcript NM_177438.3 (MANE Select); coding-DNA position 1935, G replaced by T.
Protein change: p.Pro645=; no amino-acid change (proline 645 retained).
Molecular consequence: synonymous variant.
Genome position (GRCh38, 1-based): chr14:95,113,197, C>A on the plus strand (G>T on the coding strand, the complement: DICER1 is on the minus strand). VCF-style: chr14-95113197-C-A. GRCh37 (hg19) VCF-style: chr14-95579534-C-A.
Other names: c.1935G>T, p.Pro645= (NM_001195573.1, NM_001271282.3, NM_001291628.2 and 1 more transcripts); c.1935G>T (NM_177438.2).
Identifiers: ClinVar variation 1108758 (VCV001108758.12), dbSNP rs61751177, ClinGen allele CA487630243.
Genomic context (GRCh38, chr14:95,113,197, plus strand): 5'-TGAATAAAATGTACCATCAGGCAACTCTCGGGTTCTGCATTTAGGAGCTAGATGAGTAAA[C>A]GGATCACTTGGTAATCTAGCACAGTATCTGTGAAGAAAAAGAAATTCTGAGGCTGAATCT-3'
Protein context (NP_803187.1, residues 635-655): NRYCARLPSD[Pro645=]FTHLAPKCRT